The following is an entry in ClinVar:

NM_002979.5(SCP2):c.1187G>A (p.Gly396Glu)

Gene: SCP2 (sterol carrier protein 2; plus strand). Cytogenetic location: 1p32.3.
Variant type: single nucleotide variant.
Coding change: c.1187G>A on transcript NM_002979.5 (MANE Select); coding-DNA position 1187, G replaced by A.
Protein change: p.Gly396Glu; replaces glycine 396 with glutamic acid.
Molecular consequence: missense variant. On other transcripts: 5 prime UTR variant (3).
Genome position (GRCh38, 1-based): chr1:53,014,995, G>A. VCF-style: chr1-53014995-G-A. GRCh37 (hg19) VCF-style: chr1-53480667-G-A.
Other names: c.-26G>A (NM_001007099.3, NM_001007100.3, NM_001007250.3); c.1115G>A, p.Gly372Glu (NM_001193599.2); c.1055G>A, p.Gly352Glu (NM_001193600.2); c.944G>A, p.Gly315Glu (NM_001193617.2); short protein forms G315E, G352E, G372E, G396E.
Identifiers: ClinVar variation 1310952 (VCV001310952.7), dbSNP rs540496908, ClinGen allele CA857346.

ClinVar aggregate classification (germline): Uncertain significance. Review status: criteria provided, multiple submitters, no conflicts (2 of 4 stars). 3 submissions from 3 submitters: Uncertain significance (3). Last evaluated 2025-06-24.

Allele frequency attached by ClinVar (database versions not stated): ExAC 0.00004; gnomAD exomes 0.00004 and 0.00008; TOPMed 0.00005; gnomAD 0.00006.
gnomAD v4.1: 124 of 1,614,040 alleles (0.0077%); highest among the groups gnomAD compares: Non-Finnish European, 0.01%; no homozygotes.

Submissions (3):

Ambry Genetics
Classification: Uncertain significance. Last evaluated: 2025-06-24. Review status: criteria provided, single submitter. Criteria: Ambry Variant Classification Scheme 2023. Collection method: clinical testing. Allele origin: germline.

Labcorp Genetics (formerly Invitae), Labcorp
Classification: Uncertain significance. Last evaluated: 2022-10-14. Review status: criteria provided, single submitter. Criteria: Invitae Variant Classification Sherloc (09022015). Collection method: clinical testing. Allele origin: germline.
Comment: This sequence change replaces glycine, which is neutral and non-polar, with glutamic acid, which is acidic and polar, at codon 396 of the SCP2 protein (p.Gly396Glu). This variant is present in population databases (rs540496908, gnomAD 0.009%). This variant has not been reported in the literature in individuals affected with SCP2-related conditions. ClinVar contains an entry for this variant (Variation ID: 1310952). Algorithms developed to predict the effect of missense changes on protein structure and function (SIFT, PolyPhen-2, Align-GVGD) all suggest that this variant is likely to be disruptive. In summary, the available evidence is currently insufficient to determine the role of this variant in disease. Therefore, it has been classified as a Variant of Uncertain Significance.

GeneDx
Classification: Uncertain significance. Last evaluated: 2019-12-10. Review status: criteria provided, single submitter. Criteria: GeneDx Variant Classification Process June 2021. Collection method: clinical testing. Allele origin: germline. Affected: yes.
Comment: Not observed at a significant frequency in large population cohorts (Lek et al., 2016); In silico analysis, which includes protein predictors and evolutionary conservation, supports a deleterious effect; Has not been previously published as pathogenic or benign to our knowledge